The following is an entry in ClinVar:

ClinVar aggregate classification (germline): Pathogenic (1 of 4 stars; one submission).

Conditions:
Osteogenesis imperfecta type 7 (OI7). Also called: Osteogenesis imperfecta type 2B; OI type 2B; Osteogenesis imperfecta, perinatal lethal autosomal recessive; OI type IIB; OSTEOGENESIS IMPERFECTA, TYPE IIB; OI type 7. Identifiers: MedGen C1853162, MONDO:0012536, OMIM 610682.

Submission:

Labcorp Genetics (formerly Invitae), Labcorp
Classification: Pathogenic for Osteogenesis imperfecta type 7. Last evaluated: 2024-10-05. Review status: criteria provided, single submitter. Criteria: Invitae Variant Classification Sherloc (09022015). Collection method: clinical testing. Allele origin: germline.
Comment: This sequence change creates a premature translational stop signal (p.Ala167Argfs*11) in the CRTAP gene. It is expected to result in an absent or disrupted protein product. Loss-of-function variants in CRTAP are known to be pathogenic (PMID: 17055431, 19862557, 24715559). This variant is not present in population databases (gnomAD no frequency). This variant has not been reported in the literature in individuals affected with CRTAP-related conditions. For these reasons, this variant has been classified as Pathogenic.

Literature cited by the submitters: PubMed 17055431; PubMed 19862557; PubMed 24715559.

NM_006371.5(CRTAP):c.498dup (p.Ala167fs)

Gene: CRTAP (cartilage associated protein; plus strand). Cytogenetic location: 3p22.3.
Variant type: Duplication.
Coding change: c.498dup on transcript NM_006371.5 (MANE Select); coding-DNA position 498, one base duplicated (C; older notation c.498dupC).
Protein change: p.Ala167fs; shifts the reading frame from alanine 167.
Molecular consequence: frameshift variant. On other transcripts: intron variant (1).
Genome position (GRCh38, 1-based): chr3:33,120,370, C duplicated; the last of 2 consecutive C bases (chr3:33,120,369-33,120,370); duplicating either gives the same sequence. VCF-style (leftmost placement, unchanged base first): chr3-33120368-G-GC. GRCh37 (hg19) VCF-style: chr3-33161860-G-GC.
Other names: c.498dup, p.Ala167fs (NM_001393363.1, NM_001393364.1); c.472-4038dup (NM_001393365.1); short protein forms A167fs.
Identifiers: ClinVar variation 3722258 (VCV003722258.2).